The following is an entry in ClinVar:

NM_000285.4(PEPD):c.594C>T (p.Thr198=)

Gene: PEPD (peptidase D; minus strand). Cytogenetic location: 19q13.11.
Variant type: single nucleotide variant.
Coding change: c.594C>T on transcript NM_000285.4 (MANE Select); coding-DNA position 594, C replaced by T.
Protein change: p.Thr198=; no amino-acid change (threonine 198 retained).
Molecular consequence: synonymous variant. On other transcripts: intron variant (1).
Genome position (GRCh38, 1-based): chr19:33,464,017, G>A on the plus strand (C>T on the coding strand, the complement: PEPD is on the minus strand). VCF-style: chr19-33464017-G-A. GRCh37 (hg19) VCF-style: chr19-33954923-G-A.
Other names: c.402C>T, p.Thr134= (NM_001166057.2); c.548+14029C>T (NM_001166056.2).
Identifiers: ClinVar variation 751096 (VCV000751096.9), dbSNP rs951655012, ClinGen allele CA307589735.

ClinVar aggregate classification (germline): Likely benign. Review status: criteria provided, single submitter (1 of 4 stars). 2 submissions from 2 submitters: Likely benign (1). 1 of the submissions does not count toward it. Last evaluated 2024-01-11.

Conditions:
PEPD-related disorder. Also called: PEPD-related condition.

Allele frequency attached by ClinVar (database versions not stated): gnomAD 0.00001; gnomAD exomes 0.00001 and 0.00002; TOPMed 0.00004.
gnomAD v4.1: 24 of 1,612,750 alleles (0.0015%); highest among the groups gnomAD compares: Non-Finnish European, 0.002%; no homozygotes.

Submissions (2):

Labcorp Genetics (formerly Invitae), Labcorp
Classification: Likely benign. Last evaluated: 2024-01-11. Review status: criteria provided, single submitter. Criteria: Invitae Variant Classification Sherloc (09022015). Collection method: clinical testing. Allele origin: germline.

PreventionGenetics, part of Exact Sciences
Classification: Likely benign for PEPD-related condition. Last evaluated: 2019-06-17. Review status: no assertion criteria provided. Collection method: clinical testing. Allele origin: germline. Not counted in ClinVar's aggregate classification.
Comment: This variant is classified as likely benign based on ACMG/AMP sequence variant interpretation guidelines (Richards et al. 2015 PMID: 25741868, with internal and published modifications).